The following is an entry in ClinVar:

NM_001352514.2(HLCS):c.1627_1628del (p.Arg543fs)

Gene: HLCS (holocarboxylase synthetase; minus strand). Cytogenetic location: 21q22.13.
Variant type: Deletion.
Coding change: c.1627_1628del on transcript NM_001352514.2 (MANE Select); coding-DNA positions 1627 to 1628, 2 bases deleted (AG; older notation c.1627_1628delAG).
Protein change: p.Arg543fs; shifts the reading frame from arginine 543.
Molecular consequence: frameshift variant. On other transcripts: non-coding transcript variant (2).
Genome position (GRCh38, 1-based): chr21:36,897,124-36,897,125, CT deleted on the plus strand (AG on the coding strand, the reverse complement: HLCS is on the minus strand). VCF-style (leftmost placement, unchanged base first): chr21-36897123-CCT-C. GRCh37 (hg19) VCF-style: chr21-38269423-CCT-C.
Other names: c.1186_1187del, p.Arg396fs (NM_001242785.2, NM_001352515.2, NM_001352516.2 and 4 more transcripts); short protein forms R396fs, R543fs.
Identifiers: ClinVar variation 1452913 (VCV001452913.7), dbSNP rs2146336516, ClinGen allele CA2573157377.

ClinVar aggregate classification (germline): Pathogenic (1 of 4 stars; one submission).

Conditions:
Holocarboxylase synthetase deficiency. Also called: MULTIPLE CARBOXYLASE DEFICIENCY, EARLY ONSET. Identifiers: Orphanet 79242, MedGen C0268581, MONDO:0009666, OMIM 253270.

Submission:

Labcorp Genetics (formerly Invitae), Labcorp
Classification: Pathogenic for Holocarboxylase synthetase deficiency. Last evaluated: 2021-07-22. Review status: criteria provided, single submitter. Criteria: Invitae Variant Classification Sherloc (09022015). Collection method: clinical testing. Allele origin: germline.
Comment: For these reasons, this variant has been classified as Pathogenic. This variant has not been reported in the literature in individuals affected with HLCS-related conditions. This variant is not present in population databases (ExAC no frequency). This sequence change creates a premature translational stop signal (p.Arg396Glyfs*25) in the HLCS gene. It is expected to result in an absent or disrupted protein product. Loss-of-function variants in HLCS are known to be pathogenic (PMID: 16134170).

Literature cited by the submitters: PubMed 16134170.